The following is an entry in ClinVar:

NM_001080517.3(SETD5):c.567+3A>G

Gene: SETD5 (SET domain containing 5; plus strand). Cytogenetic location: 3p25.3.
Variant type: single nucleotide variant.
Coding change: c.567+3A>G on transcript NM_001080517.3 (MANE Select); 3 bases into the intron after coding-DNA position 567, A replaced by G.
Molecular consequence: intron variant.
Genome position (GRCh38, 1-based): chr3:9,435,909, A>G. VCF-style: chr3-9435909-A-G. GRCh37 (hg19) VCF-style: chr3-9477593-A-G.
Other names: c.234+3A>G (NM_001349451.2, NM_001292043.2).
Identifiers: ClinVar variation 3013214 (VCV003013214.3), dbSNP rs1355754403, ClinGen allele CA541211817.

ClinVar aggregate classification (germline): Uncertain significance (1 of 4 stars; one submission).

Allele frequency attached by ClinVar (database versions not stated): gnomAD exomes 0.00001.
gnomAD v4.1: 11 of 1,567,902 alleles (0.0007%); highest among the groups gnomAD compares: South Asian, 0.011%; no homozygotes.

Submission:

Labcorp Genetics (formerly Invitae), Labcorp
Classification: Uncertain significance. Last evaluated: 2025-03-17. Review status: criteria provided, single submitter. Criteria: Invitae Variant Classification Sherloc (09022015). Collection method: clinical testing. Allele origin: germline.
Comment: This sequence change falls in intron 7 of the SETD5 gene. It does not directly change the encoded amino acid sequence of the SETD5 protein. It affects a nucleotide within the consensus splice site. This variant is present in population databases (no rsID available, gnomAD 0.01%). This variant has not been reported in the literature in individuals affected with SETD5-related conditions. ClinVar contains an entry for this variant (Variation ID: 3013214). Variants that disrupt the consensus splice site are a relatively common cause of aberrant splicing (PMID: 17576681, 9536098). Algorithms developed to predict the effect of sequence changes on RNA splicing suggest that this variant may create or strengthen a splice site. In summary, the available evidence is currently insufficient to determine the role of this variant in disease. Therefore, it has been classified as a Variant of Uncertain Significance.

Literature cited by the submitters: PubMed 17576681; PubMed 9536098.